The following is an entry in ClinVar:

ClinVar aggregate classification (germline): Conflicting classifications of pathogenicity. Review status: criteria provided, conflicting classifications (1 of 4 stars). 3 submissions from 3 submitters: Pathogenic (2); Uncertain significance (1). Last evaluated 2025-09-01.

Conditions:
Immunodeficiency 75. Also called: IMMUNODEFICIENCY 75 WITH LYMPHOPROLIFERATION. Identifiers: Orphanet 664729, MedGen C5436860, MONDO:0030858, OMIM 619126.

Submissions (3):

Labcorp Genetics (formerly Invitae), Labcorp
Classification: Pathogenic. Last evaluated: 2025-09-01. Review status: criteria provided, single submitter. Criteria: Invitae Variant Classification Sherloc (09022015). Collection method: clinical testing. Allele origin: germline.
Comment: This sequence change creates a premature translational stop signal (p.Thr229Asnfs*25) in the TET2 gene. It is expected to result in an absent or disrupted protein product. Loss-of-function variants in TET2 are known to be pathogenic (PMID: 36066697). The frequency data for this variant in the population databases is considered unreliable, as metrics indicate poor data quality at this position in the gnomAD database. This variant has not been reported in the literature in individuals affected with TET2-related conditions. ClinVar contains an entry for this variant (Variation ID: 1879612). For these reasons, this variant has been classified as Pathogenic.

CeGaT Center for Human Genetics Tuebingen
Classification: Pathogenic. Last evaluated: 2022-11-01. Review status: criteria provided, single submitter. Criteria: CeGaT Center For Human Genetics Tuebingen Variant Classification Criteria Version 2. Collection method: clinical testing. Allele origin: germline. Affected: yes. Observed: 1 variant allele.
Comment: TET2: PVS1, PS4:Moderate

Revvity Omics, Revvity
Classification: Uncertain significance for Immunodeficiency 75. Last evaluated: 2022-01-24. Review status: criteria provided, single submitter. Criteria: ACMG Guidelines, 2015. Collection method: clinical testing. Allele origin: germline.

Literature cited by the submitters: PubMed 36066697 (cited by Labcorp Genetics (formerly Invitae), Labcorp).

NM_001127208.3(TET2):c.685dup (p.Thr229fs)

Genes: TET2-AS1 (TET2 antisense RNA 1; minus strand), TET2 (tet methylcytosine dioxygenase 2; plus strand). Cytogenetic location: 4q24.
Variant type: Duplication.
Coding change: c.685dup on transcript NM_001127208.3 (MANE Select); coding-DNA position 685, one base duplicated (A; older notation c.685dupA).
Protein change: p.Thr229fs; shifts the reading frame from threonine 229.
Molecular consequence: frameshift variant.
Genome position (GRCh38, 1-based): chr4:105,234,627, A duplicated; the last of 6 consecutive A bases (chr4:105,234,622-105,234,627); duplicating any one gives the same sequence. VCF-style (leftmost placement, unchanged base first): chr4-105234621-G-GA. GRCh37 (hg19) VCF-style: chr4-106155778-G-GA.
Other names: c.685dup, p.Thr229fs (NM_017628.4); short protein forms T229fs.
Identifiers: ClinVar variation 1879612 (VCV001879612.34), dbSNP rs759055581, ClinGen allele CA3031544.